The following is an entry in ClinVar:

ClinVar aggregate classification (germline): Pathogenic/Likely pathogenic. Review status: criteria provided, multiple submitters, no conflicts (2 of 4 stars). 9 submissions from 9 submitters: Pathogenic (5); Likely pathogenic (1). 3 of the submissions do not count toward it. Last evaluated 2026-01-11.

Conditions:
ASAH1-related disorders. Also called: ASAH1-related condition; ASAH1-related disorder. Identifiers: MedGen CN376120, MONDO:0800460.
Spinal muscular atrophy-progressive myoclonic epilepsy syndrome. Also called: MYOCLONUS, HEREDITARY, WITH PROGRESSIVE DISTAL MUSCULAR ATROPHY; Hereditary myoclonus and progressive distal muscular atrophy; Spinal Muscular Atrophy with Progressive Myoclonic Epilepsy (SMA-PME); Spinal muscular atrophy with progressive myoclonic epilepsy. Identifiers: Orphanet 2590, MedGen C1834569, MONDO:0008045, OMIM 159950.

Allele frequency attached by ClinVar (database versions not stated): gnomAD 0.00004; TOPMed 0.00004; gnomAD exomes 0.00006; ExAC 0.00010; ESP Exome Variant Server 0.00015.
gnomAD v4.1: 143 of 1,553,542 alleles (0.0092%); highest among the groups gnomAD compares: Admixed American, 0.017%; no homozygotes.

Submissions (10):

Labcorp Genetics (formerly Invitae), Labcorp
Classification: Pathogenic. Last evaluated: 2026-01-11. Review status: criteria provided, single submitter. Criteria: Invitae Variant Classification Sherloc (09022015). Collection method: clinical testing. Allele origin: germline.
Comment: This sequence change replaces lysine, which is basic and polar, with asparagine, which is neutral and polar, at codon 152 of the ASAH1 protein (p.Lys152Asn). This variant is present in population databases (rs200455852, gnomAD 0.01%). This missense change has been observed in individual(s) with ASAH1-related conditions (PMID: 24164096, 25847462, 26526000; internal data). In at least one individual the data is consistent with being in trans (on the opposite chromosome) from a pathogenic variant. ClinVar contains an entry for this variant (Variation ID: 180643). An algorithm developed to predict the effect of missense changes on protein structure and function (PolyPhen-2) suggests that this variant is likely to be tolerated. Algorithms developed to predict the effect of sequence changes on RNA splicing suggest that this variant may disrupt the consensus splice site. For these reasons, this variant has been classified as Pathogenic.

Variantyx, Inc.
Classification: Pathogenic for Spinal muscular atrophy-progressive myoclonic epilepsy syndrome. Last evaluated: 2025-08-15. Review status: criteria provided, single submitter. Criteria: Variantyx Assertion Criteria 2022. Collection method: clinical testing. Allele origin: germline. Inheritance: Autosomal recessive inheritance. Affected: yes.
Comment: This is a nonsynonymous variant in the ASAH1 gene (OMIM: 613468). Pathogenic variants in this gene have been associated with autosomal recessive spinal muscular atrophy with progressive myoclonic epilepsy. This variant has been identified in the homozygous or compound heterozygous state in at least 5 individuals reported in the published literature (PMID: 26526000, 28733637, 24164096, 28251733, 33798445, 25847462) (PM3). Functional studies have shown that this variant alters ASAH1 protein function (PMID: 24164096) (PS3_Moderate), and algorithms that predict the potential impact of sequence variants on RNA splicing suggest that this variant may disrupt normal splicing (PP3). This variant has a 0.0168% maximum allele frequency in non-founder control populations (PM2). Based on the current evidence, this variant is classified as pathogenic for autosomal recessive spinal muscular atrophy with progressive myoclonic epilepsy.

GeneDx
Classification: Pathogenic. Last evaluated: 2025-08-07. Review status: criteria provided, single submitter. Criteria: GeneDx Variant Classification Process June 2021. Collection method: clinical testing. Allele origin: germline. Affected: yes.
Comment: In silico analysis is inconclusive as to whether the variant alters gene splicing; however RNA studies demonstrate in-frame skipping of exon 6 (PMID: 24164096); This variant is associated with the following publications: (PMID: 25847462, 30029679, 25046240, 26526000, 27647482, 27026573, 28251733, 28733637, 33798445, 34426522, 28721829, 36325744, 24164096)

Blueprint Genetics
Classification: Likely pathogenic for ASAH1-related disorders. Last evaluated: 2024-11-08. Review status: criteria provided, single submitter. Criteria: ACMG Guidelines, 2015. Collection method: clinical testing. Allele origin: germline. Affected: yes. Observed: 5 variant alleles.

Dasa
Classification: Pathogenic. Last evaluated: 2024-10-18. Review status: criteria provided, single submitter. Criteria: DASA Assertion Criteria. Collection method: clinical testing. Allele origin: germline.
Comment: NM_177924.5(ASAH1):c.456A>C (p.Lys152Asn) is a missense variant that results in the substitution of lysine with asparagine. This variant has been observed in affected individuals with related phenotype in a genotype context consistent with recessive disease. Functional evidence supports a deleterious effect on the gene or gene product. Multiple computational predictions support a deleterious effect on the gene or gene product. The variant is present at low frequency in population datasets. Based on the available data, this variant is classified as pathogenic.

Medical Affairs, Dicerna Pharmaceuticals
Classification: Pathogenic for Spinal muscular atrophy-progressive myoclonic epilepsy syndrome. Last evaluated: 2019-07-01. Review status: criteria provided, single submitter. Criteria: ACMG Guidelines, 2015. Collection method: literature only. Allele origin: unknown. Inheritance: Autosomal recessive inheritance. Affected: yes. Observed: 5 variant alleles. Clinical features observed: progressive neurodegeneration, tremor, progressive proximal weakness, voice had become tremulous with a slow and nasal character, motor degeneration, intermittent irregular jerking, cortical myoclonus, tonicâ€“clonic seizures, generalized epilepsy, sensorineural hearing loss.
Comment: Although variant c.456A>C has been noted in Clinvar as a variant with conflicting evidence, there is significant new evidence that supports the clinical pathogenicity of c.456A>C. In addition to the patient described by Gan et al., 2015, DOI: 10.1016/j.nmd.2015.09.007, this variant has been described in 4 additional patients from unrelated families and published in Cozma et al., 2017, DOI:10.1038/s41598-017-06604-2, Dyment et al., 2014, doi: 10.1111/cge.12307, Kernohan et al., 2017, doi:10.1002/humu.23211, and Rubboli et al., 2017, doi: 10.1111/epi.12977. In the patient described in Gan et al., 2015, histological studies were completed demonstrating the presence of zebra bodies that are characteristic of acid ceramidase deficiency. Additionally, functional studies have been conducted using this variant. Acid ceramidase enzyme activity was measured in this patient's and mother's fibroblasts. The patient has approximately 15% enzyme activity of controls and the mother has acid ceramidase activity of approximately 50% normal.

Two ASAH1 variants were identified. One variant was novel (c.886 C > T, p.Arg296Stop*), which introduced a premature stop codon in exon 11. This mutation had not been previously observed in approximately 6500 individuals in the NHLBI Exome Sequencing Project. The other variant (c.456 A > C, p.Lys152Asn) had been previously associated with SMA-PME

PreventionGenetics, part of Exact Sciences
Classification: Likely pathogenic for ASAH1-related condition. Last evaluated: 2024-03-01. Review status: no assertion criteria provided. Collection method: clinical testing. Allele origin: germline. Not counted in ClinVar's aggregate classification.
Comment: The ASAH1 c.504A>C variant is predicted to result in the amino acid substitution p.Lys168Asn. This variant (also known as c.456A>C; p.Lys152Asn) was reported in compound heterozygous state in multiple individuals with spinal muscular atrophy associated with progressive myoclonic epilepsy (Dyment et al. 2014. PubMed ID: 24164096; Gan et al. 2015. PubMed ID: 26526000; Cozma et al. 2017. PubMed ID: 28733637; Kernohan et al. 2017. PubMed ID: 28251733; Rubboli et al. 2015. PubMed ID: 25847462). In a patient who was compound heterozygous for this variant and p.Gly284X, functional studies in cultured fibroblasts showed significantly reduced acid ceramidase enzymatic activity (Dyment et al. 2014. Pubmed ID: 24164096). Experimental studies have shown that this variant disrupts mRNA splicing (Kernohan et al. 2017. Pubmed ID: 28251733). This variant is reported in 0.017% of alleles in individuals of Latino descent in gnomAD. This variant is interpreted as likely pathogenic.

Care4Rare-SOLVE, CHEO
Classification: Uncertain significance for Spinal muscular atrophy-progressive myoclonic epilepsy syndrome. Last evaluated: 2017-01-01. Review status: no assertion criteria provided. Collection method: research. Allele origin: inherited. Affected: yes. Study: Care4Rare. Not counted in ClinVar's aggregate classification.
Comment: This variant was found in a compound heterozygous state NM_004315.4:c.458A>G.

OMIM
Classification: Pathogenic for SPINAL MUSCULAR ATROPHY WITH PROGRESSIVE MYOCLONIC EPILEPSY. Last evaluated: 2014-12-01. Review status: no assertion criteria provided. Collection method: literature only. Allele origin: germline. Not counted in ClinVar's aggregate classification.

Dr. Peter K. Rogan Lab, Western University
No classification provided (evidence only). Condition: Ovarian serous cystadenocarcinoma. Review status: no classification provided. Collection method: in vitro. Allele origin: not applicable. Functional consequence: skipped exon, retained intron. Not counted in ClinVar's aggregate classification.

Literature cited by the submitters: PubMed 24164096 (cited by 4 submitters); PubMed 25847462 (cited by Labcorp Genetics (formerly Invitae), Labcorp and Variantyx, Inc.); PubMed 26526000 (cited by Labcorp Genetics (formerly Invitae), Labcorp and Variantyx, Inc.); PubMed 28733637 (cited by Variantyx, Inc.); PubMed 28251733 (cited by Variantyx, Inc.); PubMed 33798445 (cited by Variantyx, Inc.); DOI 10.1016/j.nmd.2015.09.007 (cited by Medical Affairs, Dicerna Pharmaceuticals).

NM_177924.5(ASAH1):c.456A>C (p.Lys152Asn)

Gene: ASAH1 (N-acylsphingosine amidohydrolase 1; minus strand). Cytogenetic location: 8p22.
Variant type: single nucleotide variant.
Coding change: c.456A>C on transcript NM_177924.5 (MANE Select); coding-DNA position 456, A replaced by C.
Protein change: p.Lys152Asn; replaces lysine 152 with asparagine.
Molecular consequence: missense variant.
Genome position (GRCh38, 1-based): chr8:18,064,458, T>G on the plus strand (A>C on the coding strand, the complement: ASAH1 is on the minus strand). VCF-style: chr8-18064458-T-G. GRCh37 (hg19) VCF-style: chr8-17921967-T-G.
Other names: 456A-C; c.438A>C, p.Lys146Asn (NM_001127505.3); c.261A>C, p.Lys87Asn (NM_001363743.2); c.504A>C, p.Lys168Asn (NM_004315.6); c.504A>C (NM_004315.5); short protein forms K152N, K168N, K146N, K87N.
Identifiers: ClinVar variation 180643 (VCV000180643.18), dbSNP rs200455852, ClinGen allele CA185930.